The following is an entry in ClinVar:

ClinVar aggregate classification (germline): Benign/Likely benign. Review status: criteria provided, multiple submitters, no conflicts (2 of 4 stars). 6 submissions from 6 submitters: Benign (3); Likely benign (3). Last evaluated 2026-01-19.

Conditions:
Hereditary sensory neuropathy-deafness-dementia syndrome. Also called: HSN IE; Hereditary sensory neuropathy type IE; Hereditary Sensory and Autonomic Neuropathy Type 1E (HSAN1E); NEUROPATHY, HEREDITARY SENSORY, WITH HEARING LOSS AND DEMENTIA. Identifiers: Orphanet 456318, MedGen C3279885, MONDO:0013584, OMIM 614116.

Allele frequency attached by ClinVar (database versions not stated): ExAC 0.00013; gnomAD 0.00015 and 0.00016; gnomAD exomes 0.00015 and 0.00026; TOPMed 0.00020; ESP Exome Variant Server 0.00023.
gnomAD v4.1: 284 of 1,614,104 alleles (0.018%); highest among the groups gnomAD compares: Admixed American, 0.01%; no homozygotes.

Submissions (6):

Labcorp Genetics (formerly Invitae), Labcorp
Classification: Likely benign for Hereditary sensory neuropathy-deafness-dementia syndrome. Last evaluated: 2026-01-19. Review status: criteria provided, single submitter. Criteria: Invitae Variant Classification Sherloc (09022015). Collection method: clinical testing. Allele origin: germline.

Mayo Clinic Laboratories, Mayo Clinic
Classification: Benign. Last evaluated: 2024-11-25. Review status: criteria provided, single submitter. Criteria: ACMG Guidelines, 2015. Collection method: clinical testing. Allele origin: germline. Observed: 2 variant alleles.
Comment: BS1, BS2, BP4, BP7

Blueprint Genetics
Classification: Likely benign. Last evaluated: 2024-11-21. Review status: criteria provided, single submitter. Criteria: ACMG Guidelines, 2015. Collection method: clinical testing. Allele origin: germline.

CeGaT Center for Human Genetics Tuebingen
Classification: Likely benign. Last evaluated: 2023-08-01. Review status: criteria provided, single submitter. Criteria: CeGaT Center For Human Genetics Tuebingen Variant Classification Criteria Version 2. Collection method: clinical testing. Allele origin: germline. Affected: yes. Observed: 1 variant allele.
Comment: DNMT1: BP4, BP7

GeneDx
Classification: Benign. Last evaluated: 2020-01-10. Review status: criteria provided, single submitter. Criteria: GeneDx Variant Classification Process June 2021. Collection method: clinical testing. Allele origin: germline. Affected: yes.

Illumina Laboratory Services, Illumina
Classification: Benign for Hereditary sensory neuropathy-deafness-dementia syndrome. Last evaluated: 2017-04-27. Review status: criteria provided, single submitter. Criteria: ICSL Variant Classification Criteria 13 December 2019. Collection method: clinical testing. Allele origin: germline.
Comment: This variant was observed as part of a predisposition screen in an ostensibly healthy population. A literature search was performed for the gene, cDNA change, and amino acid change (where applicable). No publications were found based on this search. Allele frequency data from public databases was too high to be consistent with this variant causing disease. Therefore, this variant is classified as benign.

NM_001130823.3(DNMT1):c.1896G>A (p.Thr632=)

Gene: DNMT1 (DNA methyltransferase 1; minus strand). Cytogenetic location: 19p13.2.
Variant type: single nucleotide variant.
Coding change: c.1896G>A on transcript NM_001130823.3 (MANE Select); coding-DNA position 1896, G replaced by A.
Protein change: p.Thr632=; no amino-acid change (threonine 632 retained).
Molecular consequence: synonymous variant.
Genome position (GRCh38, 1-based): chr19:10,154,416, C>T on the plus strand (G>A on the coding strand, the complement: DNMT1 is on the minus strand). VCF-style: chr19-10154416-C-T. GRCh37 (hg19) VCF-style: chr19-10265092-C-T.
Other names: p.Thr632=; c.1896G>A (LRG_362t1); c.1848G>A, p.Thr616= (NM_001318730.2, NM_001379.4); c.1533G>A, p.Thr511= (NM_001318731.2).
Identifiers: ClinVar variation 384833 (VCV000384833.43), dbSNP rs202058239, ClinGen allele CA9188171.